The following is an entry in ClinVar:

ClinVar aggregate classification (germline): Uncertain significance (1 of 4 stars; one submission).

Submission:

Labcorp Genetics (formerly Invitae), Labcorp
Classification: Uncertain significance. Last evaluated: 2022-03-02. Review status: criteria provided, single submitter. Criteria: Invitae Variant Classification Sherloc (09022015). Collection method: clinical testing. Allele origin: germline.
Comment: In summary, the available evidence is currently insufficient to determine the role of this variant in disease. Therefore, it has been classified as a Variant of Uncertain Significance. Algorithms developed to predict the effect of missense changes on protein structure and function (SIFT, PolyPhen-2, Align-GVGD) all suggest that this variant is likely to be tolerated. This variant has not been reported in the literature in individuals affected with NLRP1-related conditions. This variant is not present in population databases (gnomAD no frequency). This sequence change replaces lysine, which is basic and polar, with isoleucine, which is neutral and non-polar, at codon 952 of the NLRP1 protein (p.Lys952Ile).

NM_033004.4(NLRP1):c.2855A>T (p.Lys952Ile)

Gene: NLRP1 (NLR family pyrin domain containing 1; minus strand). Cytogenetic location: 17p13.2.
Variant type: single nucleotide variant.
Coding change: c.2855A>T on transcript NM_033004.4 (MANE Select); coding-DNA position 2855, A replaced by T.
Protein change: p.Lys952Ile; replaces lysine 952 with isoleucine.
Molecular consequence: missense variant.
Genome position (GRCh38, 1-based): chr17:5,539,430, T>A on the plus strand (A>T on the coding strand, the complement: NLRP1 is on the minus strand). VCF-style: chr17-5539430-T-A. GRCh37 (hg19) VCF-style: chr17-5442750-T-A.
Other names: c.2855A>T, p.Lys952Ile (NM_001033053.3, NM_014922.5, NM_033006.4 and 1 more transcripts); short protein forms K952I.
Identifiers: ClinVar variation 2105645 (VCV002105645.4), dbSNP rs2507851924, ClinGen allele CA397376900.
Genomic context (GRCh38, chr17:5,539,430, plus strand): 5'-CCCAACCCTCTTCCCTCTGCCCAGAAGGGACCCACAGGGCCTTACCCCAGGCGTATGAGT[T>A]TGCAGGCAGGATGCCTGAGCCCCTCACAGAGCAGTCGCACGCCAACGTCATCCAGGTTGT-3'
Protein context (NP_127497.1, residues 942-962): LCEGLRHPAC[Lys952Ile]LIRLGLDQTT